The following is an entry in ClinVar:

NM_000057.4(BLM):c.3416G>A (p.Arg1139Gln)

Gene: BLM (BLM RecQ like helicase; plus strand). Cytogenetic location: 15q26.1.
Variant type: single nucleotide variant.
Coding change: c.3416G>A on transcript NM_000057.4 (MANE Select); coding-DNA position 3416, G replaced by A.
Protein change: p.Arg1139Gln; replaces arginine 1139 with glutamine.
Molecular consequence: missense variant. On other transcripts: intron variant (1).
Genome position (GRCh38, 1-based): chr15:90,803,578, G>A. VCF-style: chr15-90803578-G-A. GRCh37 (hg19) VCF-style: chr15-91346808-G-A.
Other names: c.3416G>A, p.Arg1139Gln (NM_001287246.2); c.2291G>A, p.Arg764Gln (NM_001287248.2); c.3358+5241G>A (NM_001287247.2); short protein forms R1139Q, R764Q.
Identifiers: ClinVar variation 524818 (VCV000524818.20), dbSNP rs771776126, ClinGen allele CA7739030.

ClinVar aggregate classification (germline): Uncertain significance. Review status: criteria provided, multiple submitters, no conflicts (2 of 4 stars). 7 submissions from 7 submitters: Uncertain significance (6). 1 of the submissions does not count toward it. Last evaluated 2026-01-06.

Conditions:
Bloom syndrome (BLM). Also called: Bloom-Torre-Machacek syndrome. Identifiers: Orphanet 125, MedGen C0005859, MONDO:0008876, OMIM 210900.
Hereditary cancer-predisposing syndrome. Also called: Hereditary neoplastic syndrome; Tumor predisposition; Neoplastic Syndromes, Hereditary; Hereditary Cancer Syndrome. Identifiers: Orphanet 140162, MedGen C0027672, MeSH D009386, MONDO:0015356.

Allele frequency attached by ClinVar (database versions not stated): gnomAD 0.00001; TOPMed 0.00001.
gnomAD v4.1: 32 of 1,613,740 alleles (0.002%); highest among the groups gnomAD compares: Middle Eastern, 0.016%; no homozygotes.

Submissions (7):

Labcorp Genetics (formerly Invitae), Labcorp
Classification: Uncertain significance for Bloom syndrome. Last evaluated: 2026-01-06. Review status: criteria provided, single submitter. Criteria: Invitae Variant Classification Sherloc (09022015). Collection method: clinical testing. Allele origin: germline.
Comment: This sequence change replaces arginine, which is basic and polar, with glutamine, which is neutral and polar, at codon 1139 of the BLM protein (p.Arg1139Gln). This variant is present in population databases (rs771776126, gnomAD 0.01%). This variant has not been reported in the literature in individuals affected with BLM-related conditions. ClinVar contains an entry for this variant (Variation ID: 524818). Invitae Evidence Modeling of protein sequence and biophysical properties (such as structural, functional, and spatial information, amino acid conservation, physicochemical variation, residue mobility, and thermodynamic stability) indicates that this missense variant is expected to disrupt BLM protein function with a positive predictive value of 80%. In summary, the available evidence is currently insufficient to determine the role of this variant in disease. Therefore, it has been classified as a Variant of Uncertain Significance.

Ambry Genetics
Classification: Uncertain significance for Hereditary cancer-predisposing syndrome. Last evaluated: 2023-12-29. Review status: criteria provided, single submitter. Criteria: Ambry Variant Classification Scheme 2023. Collection method: clinical testing. Allele origin: germline.
Comment: The p.R1139Q variant (also known as c.3416G>A), located in coding exon 17 of the BLM gene, results from a G to A substitution at nucleotide position 3416. The arginine at codon 1139 is replaced by glutamine, an amino acid with highly similar properties. This amino acid position is highly conserved in available vertebrate species. In addition, the in silico prediction for this alteration is inconclusive. Since supporting evidence is limited at this time, the clinical significance of this alteration remains unclear.

St. Jude Molecular Pathology, St. Jude Children's Research Hospital
Classification: Uncertain significance for Bloom syndrome. Last evaluated: 2023-02-28. Review status: criteria provided, single submitter. Criteria: St. Jude Assertion Criteria 2020. Collection method: clinical testing. Allele origin: germline.
Comment: The BLM c.3416G>A (p.Arg1139Gln) missense change has a maximum subpopulation frequency of 0.016% in gnomAD v2.1.1. The in silico tool REVEL predicts a benign effect on protein function, but to our knowledge this prediction has not been confirmed by functional studies. To our knowledge, this variant has not been reported in individuals with Bloom syndrome. ?In summary, the evidence currently available is insufficient to determine the clinical significance of this variant. It has therefore been classified as of uncertain significance.?

Sema4
Classification: Uncertain significance for Hereditary cancer-predisposing syndrome. Last evaluated: 2022-01-22. Review status: criteria provided, single submitter. Criteria: Sema4 Curation Guidelines. Collection method: curation. Allele origin: germline.
Comment: The BLM c.3416G>A (p.R1139Q) variant has not been reported in the literature to our knowledge. It was observed in 2/18394 chromosomes of the East Asian subpopulation in the large and broad cohorts of the Genome Aggregation Database (PMID: 32461654). The variant has been reported in ClinVar (Variation ID 524818). Functional studies have not been performed, and in silico predictions of the variant's effect on protein function are inconclusive. The evidence is insufficient to meet ACMG/AMP criteria for classifying the variant as benign or pathogenic. Thus, the clinical significance of this variant is currently uncertain.

Blueprint Genetics
Classification: Uncertain significance. Last evaluated: 2021-04-23. Review status: criteria provided, single submitter. Criteria: ACMG Guidelines, 2015. Collection method: clinical testing. Allele origin: germline.

Fulgent Genetics
Classification: Uncertain significance for Bloom syndrome. Last evaluated: 2018-10-31. Review status: criteria provided, single submitter. Criteria: ACMG Guidelines, 2015. Collection method: clinical testing. Allele origin: unknown.

Natera, Inc.
Classification: Uncertain significance for Bloom syndrome. Last evaluated: 2020-01-29. Review status: no assertion criteria provided. Collection method: clinical testing. Allele origin: germline. Not counted in ClinVar's aggregate classification.